The following is an entry in ClinVar:

ClinVar aggregate classification (germline): Pathogenic/Likely pathogenic. Review status: criteria provided, multiple submitters, no conflicts (2 of 4 stars). 8 submissions from 8 submitters: Pathogenic (5); Likely pathogenic (2). 1 of the submissions does not count toward it. Last evaluated 2024-10-04.

Conditions:
Mucopolysaccharidosis, MPS-III-B (MPS3B). Also called: MPS III B; MUCOPOLYSACCHARIDOSIS, TYPE IIIB; N-ACETYL-ALPHA-D-GLUCOSAMINIDASE DEFICIENCY; NAGLU DEFICIENCY; SANFILIPPO SYNDROME B; Mucopolysaccharidosis type IIIB (Sanfilippo B). Identifiers: Orphanet 79270, MedGen C0086648, MONDO:0009656, OMIM 252920.
Charcot-Marie-Tooth disease axonal type 2V. Also called: CHARCOT-MARIE-TOOTH NEUROPATHY, TYPE 2V; CHARCOT-MARIE-TOOTH DISEASE, AXONAL, AUTOSOMAL DOMINANT, TYPE 2V. Identifiers: Orphanet 447964, MedGen C5569050, MONDO:0014665, OMIM 616491.
Charcot-Marie-Tooth disease. Also called: Charcot-Marie-Tooth Hereditary Neuropathy; Charcot-Marie-Tooth Neuropathy. Identifiers: Orphanet 166, MedGen C0007959, MONDO:0015626.

gnomAD v4.1: 5 of 1,612,526 alleles (0.00031%); highest among the groups gnomAD compares: South Asian, 0.0033%; no homozygotes.

Submissions (9):

Dubai Health Genomic Medicine Center, Dubai Health
Classification: Pathogenic for Charcot-Marie-Tooth disease. Last evaluated: 2024-10-04. Review status: criteria provided, single submitter. Criteria: ACMG Guidelines, 2015. Collection method: research. Allele origin: germline. Affected: yes.
Comment: PS4,PP1,PM2,PP3,PM5

Natera, Inc.
Classification: Likely pathogenic for Mucopolysaccharidosis type IIIB. Last evaluated: 2024-07-18. Review status: criteria provided, single submitter. Criteria: Natera Variant Classification Schema (03/2026). Collection method: clinical testing. Allele origin: germline.
Comment: The c.1694G>T variant in NAGLU is a missense variant predicted to cause substitution of arginine to leucine at amino acid 565. This variant is rare in the general population with a frequency below the threshold expected for the associated phenotype(s). This variant has been observed in one or more individuals affected with the associated recessive disease, as either homozygous or compound heterozygous with a second variant (PMID: 23430803). Additionally, this variant has been observed to segregate in affected family members (PMID: 23430803). Functional studies show that this variant may disrupt protein function (PMID: 29979746). A different variant at the same position has been determined to be Pathogenic or Likely Pathogenic. Computational prediction algorithms indicate this variant is likely to affect gene or protein function. Given the available evidence, this variant is classified as Likely Pathogenic.

Fulgent Genetics
Classification: Pathogenic for Mucopolysaccharidosis, MPS-III-B; Charcot-Marie-Tooth disease axonal type 2V. Last evaluated: 2024-05-05. Review status: criteria provided, single submitter. Criteria: ACMG Guidelines, 2015. Collection method: clinical testing. Allele origin: germline.

Revvity Omics, Revvity
Classification: Likely pathogenic. Last evaluated: 2023-04-11. Review status: criteria provided, single submitter. Criteria: ACMG Guidelines, 2015. Collection method: clinical testing. Allele origin: germline.

Foundation for Research in Genetics and Endocrinology, FRIGE's Institute of Human Genetics
Classification: Pathogenic for Mucopolysaccharidosis, MPS-III-B. Last evaluated: 2023-03-18. Review status: criteria provided, single submitter. Criteria: ACMG Guidelines, 2015. Collection method: clinical testing. Allele origin: germline. Inheritance: Autosomal recessive inheritance. Affected: yes. Observed: 1 homozygote.
Comment: A homozygous missense variant in exon 6 of the NAGLU gene that results in the amino acid substitution of Leucine for Arginine at codon 565 was detected. The observed variant c.1694G>T (p.Arg565Leu) has not been reported in the 1000 genomes and has a MAF of 0.0012% in the gnomAD database. The in-silico prediction of the variant are damaging by PolyPhen-2 (HumDiv), SIFT and MutationTaster2. The reference codon is conserved across species. In summary, the variant meets our criteria to be classified as pathogenic.

Labcorp Genetics (formerly Invitae), Labcorp
Classification: Pathogenic for Charcot-Marie-Tooth disease axonal type 2V; Mucopolysaccharidosis, MPS-III-B. Last evaluated: 2022-04-19. Review status: criteria provided, single submitter. Criteria: Invitae Variant Classification Sherloc (09022015). Collection method: clinical testing. Allele origin: germline.
Comment: For these reasons, this variant has been classified as Pathogenic. This variant disrupts the p.Arg565 amino acid residue in NAGLU. Other variant(s) that disrupt this residue have been determined to be pathogenic (PMID: 10094189, 15933803). This suggests that this residue is clinically significant, and that variants that disrupt this residue are likely to be disease-causing. Advanced modeling of protein sequence and biophysical properties (such as structural, functional, and spatial information, amino acid conservation, physicochemical variation, residue mobility, and thermodynamic stability) performed at Invitae indicates that this missense variant is expected to disrupt NAGLU protein function. ClinVar contains an entry for this variant (Variation ID: 557013). This missense change has been observed in individual(s) with mucopolysaccharidosis type III (PMID: 23430803). It has also been observed to segregate with disease in related individuals. This variant is present in population databases (rs104894598, gnomAD 0.007%). This sequence change replaces arginine, which is basic and polar, with leucine, which is neutral and non-polar, at codon 565 of the NAGLU protein (p.Arg565Leu).

Women's Health and Genetics/Laboratory Corporation of America, LabCorp
Classification: Pathogenic for Mucopolysaccharidosis, MPS-III-B. Last evaluated: 2021-09-13. Review status: criteria provided, single submitter. Criteria: LabCorp Variant Classification Summary - May 2015. Collection method: clinical testing. Allele origin: germline.
Comment: Variant summary: NAGLU c.1694G>T (p.Arg565Leu) results in a non-conservative amino acid change located in the Alpha-N-acetylglucosaminidase, C-terminal (IPR024732) of the encoded protein sequence. Five of five in-silico tools predict a damaging effect of the variant on protein function. The variant allele was found at a frequency of 1.2e-05 in 248730 control chromosomes. c.1694G>T has been reported in the literature in multiple individuals from one family affected with Mucopolysaccharidosis Type IIIB (Sanfilippo Syndrome B) and has been subsequently cited by others (example, Al-Jasmi_2013, Kadali_2019). Moreover, other missense variants located at the same codon (p.Arg565Gln, p.Arg565Trp and p.Arg565Pro) have been reported in patients with Sanfilippo Syndrome B suggesting the critical relevance of Arginine 565 residue to protein function. These data indicate that the variant is very likely to be associated with disease. To our knowledge, no experimental evidence demonstrating an impact on protein function has been reported. Two clinical diagnostic laboratories have submitted clinical-significance assessments for this variant to ClinVar after 2014 without evidence for independent evaluation. One laboratory classified the variant as pathogenic and one laboratory classified the variant as uncertain significance. Based on the evidence outlined above, the variant was classified as pathogenic.

Counsyl
Classification: Uncertain significance for Mucopolysaccharidosis, MPS-III-B. Last evaluated: 2018-03-02. Review status: no assertion criteria provided. Collection method: clinical testing. Allele origin: unknown. Not counted in ClinVar's aggregate classification.

Dr. Peter K. Rogan Lab, Western University
No classification provided (evidence only). Condition: Malignant tumor of esophagus. Review status: no classification provided. Collection method: in vitro. Allele origin: not applicable. Functional consequence: retained intron. Not counted in ClinVar's aggregate classification.

Literature cited by the submitters: PubMed 23430803 (cited by 4 submitters); PubMed 29979746 (cited by Natera, Inc.); PubMed 10094189 (cited by Labcorp Genetics (formerly Invitae), Labcorp); PubMed 15933803 (cited by Labcorp Genetics (formerly Invitae), Labcorp); PubMed 30903511 (cited by Women's Health and Genetics/Laboratory Corporation of America, LabCorp).

NM_000263.4(NAGLU):c.1694G>T (p.Arg565Leu)

Gene: NAGLU (N-acetyl-alpha-glucosaminidase; plus strand). Cytogenetic location: 17q21.2.
Variant type: single nucleotide variant.
Coding change: c.1694G>T on transcript NM_000263.4 (MANE Select); coding-DNA position 1694, G replaced by T.
Protein change: p.Arg565Leu; replaces arginine 565 with leucine.
Molecular consequence: missense variant.
Genome position (GRCh38, 1-based): chr17:42,543,700, G>T. VCF-style: chr17-42543700-G-T. GRCh37 (hg19) VCF-style: chr17-40695718-G-T.
Other names: p.Arg565Leu; short protein forms R565L.
Identifiers: ClinVar variation 557013 (VCV000557013.23), dbSNP rs104894598, ClinGen allele CA8577079.